The following is an entry in ClinVar:

ClinVar aggregate classification (germline): Uncertain significance (1 of 4 stars; one submission).

Allele frequency attached by ClinVar (database versions not stated): gnomAD exomes below 0.00001.
gnomAD v4.1: 2 of 1,467,602 alleles (0.00014%); highest among the groups gnomAD compares: Non-Finnish European, 0.00018%; no homozygotes.

Submission:

Labcorp Genetics (formerly Invitae), Labcorp
Classification: Uncertain significance. Last evaluated: 2023-10-04. Review status: criteria provided, single submitter. Criteria: Invitae Variant Classification Sherloc (09022015). Collection method: clinical testing. Allele origin: germline.
Comment: This sequence change replaces valine, which is neutral and non-polar, with methionine, which is neutral and non-polar, at codon 28 of the P4HB protein (p.Val28Met). This variant is not present in population databases (gnomAD no frequency). This variant has not been reported in the literature in individuals affected with P4HB-related conditions. Advanced modeling of protein sequence and biophysical properties (such as structural, functional, and spatial information, amino acid conservation, physicochemical variation, residue mobility, and thermodynamic stability) performed at Invitae indicates that this missense variant is expected to disrupt P4HB protein function. In summary, the available evidence is currently insufficient to determine the role of this variant in disease. Therefore, it has been classified as a Variant of Uncertain Significance.

NM_000918.4(P4HB):c.82G>A (p.Val28Met)

Gene: P4HB (prolyl 4-hydroxylase subunit beta; minus strand). Cytogenetic location: 17q25.3.
Variant type: single nucleotide variant.
Coding change: c.82G>A on transcript NM_000918.4 (MANE Select); coding-DNA position 82, G replaced by A.
Protein change: p.Val28Met; replaces valine 28 with methionine.
Molecular consequence: missense variant.
Genome position (GRCh38, 1-based): chr17:81,860,390, C>T on the plus strand (G>A on the coding strand, the complement: P4HB is on the minus strand). VCF-style: chr17-81860390-C-T. GRCh37 (hg19) VCF-style: chr17-79818266-C-T.
Other names: short protein forms V28M.
Identifiers: ClinVar variation 2907534 (VCV002907534.3), dbSNP rs2509962630, ClinGen allele CA401518583.